The following is an entry in ClinVar:

ClinVar aggregate classification (germline): Pathogenic (1 of 4 stars; one submission).

Conditions:
Neurofibromatosis, type 1 (NF1). Also called: Neurofibromatosis, type I; Peripheral type neurofibromatosis; VON RECKLINGHAUSEN DISEASE; NEUROFIBROMATOSIS, TYPE I, SOMATIC. Identifiers: Orphanet 636, MedGen C0027831, MONDO:0018975, OMIM 162200. Disease mechanism: loss of function.

Submission:

Labcorp Genetics (formerly Invitae), Labcorp
Classification: Pathogenic for Neurofibromatosis, type 1. Last evaluated: 2019-05-24. Review status: criteria provided, single submitter. Criteria: Invitae Variant Classification Sherloc (09022015). Collection method: clinical testing. Allele origin: germline.
Comment: This variant is an in-frame deletion of the genomic region encompassing exons 30-35 of the NF1 gene. It preserves the integrity of the reading frame. This variant has been observed in an individual tested for neurofibromatosis type 1 (PMID: 26740943). Sub-genic deletion of exons 34-35 has been determined to be pathogenic (PMID: 16283621, 18055911, Invitae). Therefore, deletions that fully encompass that region are also expected to be pathogenic. For these reasons, this variant has been classified as Pathogenic.

Literature cited by the submitters: PubMed 16283621; PubMed 18055911; PubMed 26740943.

NC_000017.11:g.(?_31248964)_(31265359_?)del

Gene: NF1 (neurofibromin 1; plus strand). Cytogenetic location: 17q11.2.
Variant type: Deletion.
Identifiers: ClinVar variation 830506 (VCV000830506.1).